The following is an entry in ClinVar:

NM_000095.3(COMP):c.2155G>T (p.Gly719Cys)

Gene: COMP (cartilage oligomeric matrix protein; minus strand). Cytogenetic location: 19p13.11.
Variant type: single nucleotide variant.
Coding change: c.2155G>T on transcript NM_000095.3 (MANE Select); coding-DNA position 2155, G replaced by T.
Protein change: p.Gly719Cys; replaces glycine 719 with cysteine.
Molecular consequence: missense variant.
Genome position (GRCh38, 1-based): chr19:18,783,126, C>A on the plus strand (G>T on the coding strand, the complement: COMP is on the minus strand). VCF-style: chr19-18783126-C-A. GRCh37 (hg19) VCF-style: chr19-18893936-C-A.
Other names: short protein forms G719C.
Identifiers: ClinVar variation 1483239 (VCV001483239.6), dbSNP rs312262904, ClinGen allele CA404875038.
Genomic context (GRCh38, chr19:18,783,126, plus strand): 5'-AACGCAGGTTGGCCCAGATGATGTTCTCCTGGGAGAAGCAGAAGACCCCCAGGCGGCCAC[C>A]CCGCATGGTTGTGTCCAAGACCACGTTGCTGTCGGCCACCAGCTCAGGGCCCTCATAGAA-3'
Protein context (NP_000086.2, residues 709-729): SNVVLDTTMR[Gly719Cys]GRLGVFCFSQ

ClinVar aggregate classification (germline): Likely pathogenic (1 of 4 stars; one submission).

Submission:

Labcorp Genetics (formerly Invitae), Labcorp
Classification: Likely pathogenic. Last evaluated: 2022-08-15. Review status: criteria provided, single submitter. Criteria: Invitae Variant Classification Sherloc (09022015). Collection method: clinical testing. Allele origin: germline.
Comment: Advanced modeling of protein sequence and biophysical properties (such as structural, functional, and spatial information, amino acid conservation, physicochemical variation, residue mobility, and thermodynamic stability) performed at Invitae indicates that this missense variant is expected to disrupt COMP protein function. In summary, the currently available evidence indicates that the variant is pathogenic, but additional data are needed to prove that conclusively. Therefore, this variant has been classified as Likely Pathogenic. This variant disrupts the p.Gly719 amino acid residue in COMP. Other variant(s) that disrupt this residue have been determined to be pathogenic (Invitae). This suggests that this residue is clinically significant, and that variants that disrupt this residue are likely to be disease-causing. Algorithms developed to predict the effect of sequence changes on RNA splicing suggest that this variant may create or strengthen a splice site. This sequence change replaces glycine, which is neutral and non-polar, with cysteine, which is neutral and slightly polar, at codon 719 of the COMP protein (p.Gly719Cys). This variant is not present in population databases (gnomAD no frequency). This variant has not been reported in the literature in individuals affected with COMP-related conditions. ClinVar contains an entry for this variant (Variation ID: 1483239).